The following is an entry in ClinVar:

NM_001267550.2(TTN):c.54674G>T (p.Gly18225Val)

Genes: TTN (titin; minus strand), TTN-AS1 (TTN antisense RNA 1; plus strand). Cytogenetic location: 2q31.2.
Variant type: single nucleotide variant.
Coding change: c.54674G>T on transcript NM_001267550.2 (MANE Select); coding-DNA position 54674, G replaced by T.
Protein change: p.Gly18225Val; replaces glycine 18225 with valine.
Molecular consequence: missense variant.
Genome position (GRCh38, 1-based): chr2:178,604,013, C>A on the plus strand (G>T on the coding strand, the complement: TTN is on the minus strand). VCF-style: chr2-178604013-C-A. GRCh37 (hg19) VCF-style: chr2-179468740-C-A.
Other names: c.49751G>T, p.Gly16584Val (NM_001256850.1); c.27479G>T, p.Gly9160Val (NM_003319.4); c.46970G>T, p.Gly15657Val (NM_133378.4); c.27854G>T, p.Gly9285Val (NM_133432.3); c.28055G>T, p.Gly9352Val (NM_133437.4); short protein forms G15657V, G18225V, G9160V, G9285V, G9352V, G16584V.
Identifiers: ClinVar variation 263635 (VCV000263635.5), dbSNP rs886038866, ClinGen allele CA10587495.

ClinVar aggregate classification (germline): Conflicting classifications of pathogenicity. Review status: criteria provided, conflicting classifications (1 of 4 stars). 3 submissions from 3 submitters: Uncertain significance (2); Likely benign (1). Last evaluated 2025-04-09.

Conditions:
Cardiovascular phenotype. Identifiers: MedGen CN230736.
Dilated cardiomyopathy 1G (CMD1G). Identifiers: Orphanet 154, MedGen C1858763, MONDO:0011400, OMIM 604145.
Tibial muscular dystrophy (TMD). Also called: UDD MYOPATHY; Udd Distal Myopathy – Tibial Muscular Dystrophy; Tibial muscular dystrophy, tardive. Identifiers: Orphanet 609, MedGen C1838244, MONDO:0010870, OMIM 600334.
Early-onset myopathy with fatal cardiomyopathy (CMYO5). Also called: Salih Myopathy; CONGENITAL MYOPATHY 5 WITH CARDIOMYOPATHY. Identifiers: Orphanet 289377, MedGen C2673677, MONDO:0012714, OMIM 611705. Disease mechanism: loss of function.
Autosomal recessive limb-girdle muscular dystrophy type 2J (LGMDR10). Also called: Limb-girdle muscular dystrophy, type 2J; MUSCULAR DYSTROPHY, LIMB-GIRDLE, AUTOSOMAL RECESSIVE 10. Identifiers: Orphanet 140922, MedGen C1837342, MONDO:0012127, OMIM 608807.
Hypertrophic cardiomyopathy 9. Also called: Familial hypertrophic cardiomyopathy 9. Identifiers: MedGen C1861065, MONDO:0013412, OMIM 613765.
Myopathy, myofibrillar, 9, with early respiratory failure (MFM9). Also called: Hereditary myopathy with early respiratory failure; EDSTROM MYOPATHY; MYOPATHY, PROXIMAL, WITH EARLY RESPIRATORY MUSCLE INVOLVEMENT; Myopathy, distal, with early respiratory failure, autosomal dominant. Identifiers: Orphanet 178464, Orphanet 34521, MedGen C1863599, MONDO:0011362, OMIM 603689.

Allele frequency attached by ClinVar (database versions not stated): gnomAD exomes 0.00001; TOPMed 0.00001.
gnomAD v4.1: 6 of 1,612,950 alleles (0.00037%); highest among the groups gnomAD compares: Non-Finnish European, 0.00051%; no homozygotes.

Submissions (3):

Molecular Diagnostic Laboratory for Inherited Cardiovascular Disease, Montreal Heart Institute
Classification: Likely benign. Last evaluated: 2025-04-09. Review status: criteria provided, single submitter. Criteria: ACMG Guidelines, 2015. Collection method: clinical testing. Allele origin: germline. Affected: no.

Fulgent Genetics
Classification: Uncertain significance for Tibial muscular dystrophy; Myopathy, myofibrillar, 9, with early respiratory failure; Dilated cardiomyopathy 1G; Autosomal recessive limb-girdle muscular dystrophy type 2J; Early-onset myopathy with fatal cardiomyopathy; Hypertrophic cardiomyopathy 9. Last evaluated: 2021-10-11. Review status: criteria provided, single submitter. Criteria: ACMG Guidelines, 2015. Collection method: clinical testing. Allele origin: unknown.

Ambry Genetics
Classification: Uncertain significance for Cardiovascular phenotype. Last evaluated: 2013-05-27. Review status: criteria provided, single submitter. Criteria: Ambry Autosomal Dominant and X-Linked criteria (10/2015). Collection method: clinical testing. Allele origin: germline. Observed: 1 variant allele.
Comment: There is insufficient or conflicting evidence for classification of this alteration.